The following is an entry in ClinVar:

ClinVar aggregate classification (germline): Uncertain significance (1 of 4 stars; one submission).

Conditions:
Familial intrahepatic cholestasis. Identifiers: Orphanet 284385, MedGen CN296401, MONDO:0017290.

Submission:

Genomenon, Inc
Classification: Uncertain significance for Familial intrahepatic cholestasis. Last evaluated: 2026-04-14. Review status: criteria provided, single submitter. Criteria: Genomenon Sequence Variant Interpretation Standards - Updated. Collection method: curation. Allele origin: germline. Affected: yes.
Comment: ABCB4 p.Met113Val (c.337A>G) is a missense variant that changes the amino acid at residue 113 from Methionine to Valine. This variant has been observed in at least one proband with an ABCB4-related disorder (PMID:28924228). It is absent or not present at a significant frequency in gnomAD. In conclusion, we classify ABCB4 p.Met113Val (c.337A>G) as a variant of uncertain significance.

Literature cited by the submitters: PubMed 28924228.

NM_000443.4(ABCB4):c.337A>G (p.Met113Val)

Gene: ABCB4 (ATP binding cassette subfamily B member 4; minus strand). Cytogenetic location: 7q21.12.
Variant type: single nucleotide variant.
Coding change: c.337A>G on transcript NM_000443.4 (MANE Select); coding-DNA position 337, A replaced by G.
Protein change: p.Met113Val; replaces methionine 113 with valine.
Molecular consequence: missense variant.
Genome position (GRCh38, 1-based): chr7:87,454,542, T>C on the plus strand (A>G on the coding strand, the complement: ABCB4 is on the minus strand). VCF-style: chr7-87454542-T-C. GRCh37 (hg19) VCF-style: chr7-87083858-T-C.
Other names: c.337A>G, p.Met113Val (NM_018849.3, NM_018850.3); short protein forms M113V.
Identifiers: ClinVar variation 4846552 (VCV004846552.1).
Genomic context (GRCh38, chr7:87,454,542, plus strand): 5'-GGAAATTATCTTCAAATGAAACTTTAAAAAAGTAGACCATATATATGAGTTACCTAGTCA[T>C]TTCTTCTTCCAGAATTTTGCCTGGATTTAGCAGCGACAAGGAAAAGTTCACTAAATTAAA-3'
Protein context (NP_000434.1, residues 103-123): LNPGKILEEE[Met113Val]TRYAYYYSGL